The following is an entry in ClinVar:

ClinVar aggregate classification (germline): Uncertain significance (1 of 4 stars; one submission).

Submission:

Women's Health and Genetics/Laboratory Corporation of America, LabCorp
Classification: Uncertain significance. Last evaluated: 2026-03-12. Review status: criteria provided, single submitter. Criteria: LabCorp Variant Classification Summary - May 2015. Collection method: clinical testing. Allele origin: germline.
Comment: Variant summary: NPHS1 c.1096A>G (p.Ser366Gly) results in a non-conservative amino acid change in the encoded protein sequence. Algorithms developed to predict the effect of missense changes on protein structure and function are either unavailable or do not agree on the potential impact of this missense change. The variant was absent in 251380 control chromosomes (gnomAD). The available data on variant occurrences in the general population are insufficient to allow any conclusion about variant significance. To our knowledge, no occurrence of c.1096A>G in individuals affected with NPHS1-related conditions and no experimental evidence demonstrating its impact on protein function have been reported. A different variant affecting the same codon has been classified as pathogenic by our lab (c.1096A>C, p.Ser366Arg), supporting the critical relevance of codon 366 to NPHS1 protein function. No submitters have cited clinical-significance assessments for this variant to ClinVar. Based on the evidence outlined above, the variant was classified as uncertain significance.

NM_004646.4(NPHS1):c.1096A>G (p.Ser366Gly)

Gene: NPHS1 (NPHS1 adhesion molecule, nephrin; minus strand). Cytogenetic location: 19q13.12.
Variant type: single nucleotide variant.
Coding change: c.1096A>G on transcript NM_004646.4 (MANE Select); coding-DNA position 1096, A replaced by G.
Protein change: p.Ser366Gly; replaces serine 366 with glycine.
Molecular consequence: missense variant.
Genome position (GRCh38, 1-based): chr19:35,848,711, T>C on the plus strand (A>G on the coding strand, the complement: NPHS1 is on the minus strand). VCF-style: chr19-35848711-T-C. GRCh37 (hg19) VCF-style: chr19-36339613-T-C.
Other names: short protein forms S366G.
Identifiers: ClinVar variation 4847293 (VCV004847293.1).